The following is an entry in ClinVar:

ClinVar aggregate classification (germline): Uncertain significance (1 of 4 stars; one submission).

Conditions:
Hereditary breast ovarian cancer syndrome. Also called: Hereditary breast and ovarian cancer syndrome (HBOC); Breast and ovarian cancer; BRCA1- and BRCA2-Associated Hereditary Breast and Ovarian Cancer; Hereditary breast and ovarian cancer syndrome; Hereditary breast and ovarian cancer; Hereditary breast and/or ovarian cancer syndrome. Identifiers: Orphanet 145, MedGen C0677776, MeSH D061325, MONDO:0003582. Disease mechanism: loss of function.

Submission:

Labcorp Genetics (formerly Invitae), Labcorp
Classification: Uncertain significance for Hereditary breast ovarian cancer syndrome. Last evaluated: 2023-03-09. Review status: criteria provided, single submitter. Criteria: Invitae Variant Classification Sherloc (09022015). Collection method: clinical testing. Allele origin: germline.
Comment: This sequence change replaces glutamic acid, which is acidic and polar, with glutamine, which is neutral and polar, at codon 595 of the BRCA1 protein (p.Glu595Gln). This variant is not present in population databases (gnomAD no frequency). This variant has not been reported in the literature in individuals affected with BRCA1-related conditions. Advanced modeling of protein sequence and biophysical properties (such as structural, functional, and spatial information, amino acid conservation, physicochemical variation, residue mobility, and thermodynamic stability) performed at Invitae indicates that this missense variant is not expected to disrupt BRCA1 protein function. In summary, the available evidence is currently insufficient to determine the role of this variant in disease. Therefore, it has been classified as a Variant of Uncertain Significance.

NM_007294.4(BRCA1):c.1783G>C (p.Glu595Gln)

Gene: BRCA1 (BRCA1 DNA repair associated; minus strand). Cytogenetic location: 17q21.31.
Variant type: single nucleotide variant.
Coding change: c.1783G>C on transcript NM_007294.4 (MANE Select); coding-DNA position 1783, G replaced by C.
Protein change: p.Glu595Gln; replaces glutamic acid 595 with glutamine.
Molecular consequence: missense variant. On other transcripts: intron variant (137).
Genome position (GRCh38, 1-based): chr17:43,093,748, C>G on the plus strand (G>C on the coding strand, the complement: BRCA1 is on the minus strand). VCF-style: chr17-43093748-C-G. GRCh37 (hg19) VCF-style: chr17-41245765-C-G.
Other names: c.1783G>C, p.Glu595Gln (NM_001407593.1, NM_001407594.1, NM_001407596.1 and 30 more transcripts); c.1780G>C, p.Glu594Gln (NM_001407610.1, NM_001407587.1, NM_001407590.1 and 22 more transcripts); c.523+996G>C (NM_001408500.1, NM_001408497.1, NM_001408496.1 and 3 more transcripts); c.646+996G>C (NM_001408466.1, NM_001408452.1, NM_001408457.1 and 11 more transcripts); c.787+996G>C (NM_001407973.1, NM_001408403.1, NM_001407983.1 and 19 more transcripts); c.404-2716G>C (NM_001408511.1); c.520+996G>C (NM_001408505.1, NM_001408504.1, NM_001408503.1); c.460+2098G>C (NM_001408507.1, NM_001408506.1); and 40 more; short protein forms E524Q, E547Q, E467Q, E468Q, E484Q, E527Q, E548Q, E553Q.
Identifiers: ClinVar variation 2844348 (VCV002844348.3), dbSNP rs2154423425, ClinGen allele CA10598453.